The following is an entry in ClinVar:

ClinVar aggregate classification (germline): Uncertain significance (1 of 4 stars; one submission).

gnomAD v4.1: 10 of 1,613,314 alleles (0.00062%); highest among the groups gnomAD compares: Non-Finnish European, 0.00085%; no homozygotes.

Submission:

Women's Health and Genetics/Laboratory Corporation of America, LabCorp
Classification: Uncertain significance. Last evaluated: 2025-11-03. Review status: criteria provided, single submitter. Criteria: LabCorp Variant Classification Summary - May 2015. Collection method: clinical testing. Allele origin: germline.
Comment: Variant summary: SRCAP c.7511C>T (p.Ala2504Val) results in a non-conservative amino acid change in the encoded protein sequence. Algorithms developed to predict the effect of missense changes on protein structure and function are either unavailable or do not agree on the potential impact of this missense change. The variant was absent in 251222 control chromosomes. The available data on variant occurrences in the general population are insufficient to allow any conclusion about variant significance. To our knowledge, no occurrence of c.7511C>T in individuals affected with SRCAP-related conditions and no experimental evidence demonstrating its impact on protein function have been reported. No submitters have cited clinical-significance assessments for this variant to ClinVar. Based on the evidence outlined above, the variant was classified as uncertain significance.

NM_006662.3(SRCAP):c.7511C>T (p.Ala2504Val)

Gene: SRCAP (Snf2 related CREBBP activator protein; plus strand). Cytogenetic location: 16p11.2.
Variant type: single nucleotide variant.
Coding change: c.7511C>T on transcript NM_006662.3 (MANE Select); coding-DNA position 7511, C replaced by T.
Protein change: p.Ala2504Val; replaces alanine 2504 with valine.
Molecular consequence: missense variant.
Genome position (GRCh38, 1-based): chr16:30,737,551, C>T. VCF-style: chr16-30737551-C-T. GRCh37 (hg19) VCF-style: chr16-30748872-C-T.
Other names: short protein forms A2504V.
Identifiers: ClinVar variation 4537153 (VCV004537153.1).